The following is an entry in ClinVar:

NM_003072.5(SMARCA4):c.305G>T (p.Gly102Val)

Gene: SMARCA4 (SWI/SNF related BAF chromatin remodeling complex subunit ATPase 4; plus strand). Cytogenetic location: 19p13.2.
Variant type: single nucleotide variant.
Coding change: c.305G>T on transcript NM_003072.5 (MANE Select); coding-DNA position 305, G replaced by T.
Protein change: p.Gly102Val; replaces glycine 102 with valine.
Molecular consequence: missense variant. On other transcripts: non-coding transcript variant (1).
Genome position (GRCh38, 1-based): chr19:10,985,355, G>T. VCF-style: chr19-10985355-G-T. GRCh37 (hg19) VCF-style: chr19-11096031-G-T.
Other names: c.305G>T, p.Gly102Val (NM_001128844.3, NM_001128845.2, NM_001128846.2 and 5 more transcripts); short protein forms G102V.
Identifiers: ClinVar variation 480560 (VCV000480560.22), dbSNP rs746602808, ClinGen allele CA9203456.

ClinVar aggregate classification (germline): Conflicting classifications of pathogenicity. Review status: criteria provided, conflicting classifications (1 of 4 stars). 6 submissions from 6 submitters: Uncertain significance (5); Likely benign (1). Last evaluated 2026-07-06.

Conditions:
Hereditary cancer-predisposing syndrome. Also called: Tumor predisposition; Neoplastic Syndromes, Hereditary; Hereditary Cancer Syndrome; Hereditary neoplastic syndrome. Identifiers: Orphanet 140162, MedGen C0027672, MeSH D009386, MONDO:0015356.
Rhabdoid tumor predisposition syndrome 2 (RTPS2). Identifiers: Orphanet 231108, Orphanet 69077, MedGen C2750074, MONDO:0013224, OMIM 613325.
Intellectual disability, autosomal dominant 16 (CSS4). Also called: COFFIN-SIRIS SYNDROME 4. Identifiers: Orphanet 1465, MedGen C3553249, MONDO:0013821, OMIM 614609.

Allele frequency attached by ClinVar (database versions not stated): TOPMed 0.00001; gnomAD exomes 0.00001 and 0.00002; ExAC 0.00002; gnomAD 0.00001.
gnomAD v4.1: 11 of 1,614,054 alleles (0.00068%); highest among the groups gnomAD compares: Middle Eastern, 0.033%; no homozygotes.

Submissions (6):

Myriad Genetics, Inc.
Classification: Likely benign for Rhabdoid tumor predisposition syndrome 2. Last evaluated: 2026-07-06. Review status: criteria provided, single submitter. Criteria: Myriad Autosomal Dominant, Autosomal Recessive and X-Linked Classification Criteria (2023). Collection method: clinical testing. Allele origin: unknown.
Comment: This variant is considered likely benign. This variant has been observed at a population frequency that is significantly greater than expected given the associated disease prevalence and penetrance.

Labcorp Genetics (formerly Invitae), Labcorp
Classification: Uncertain significance for Rhabdoid tumor predisposition syndrome 2. Last evaluated: 2025-12-21. Review status: criteria provided, single submitter. Criteria: Invitae Variant Classification Sherloc (09022015). Collection method: clinical testing. Allele origin: germline.
Comment: This sequence change replaces glycine, which is neutral and non-polar, with valine, which is neutral and non-polar, at codon 102 of the SMARCA4 protein (p.Gly102Val). This variant is present in population databases (rs746602808, gnomAD 0.006%). This variant has not been reported in the literature in individuals affected with SMARCA4-related conditions. ClinVar contains an entry for this variant (Variation ID: 480560). An algorithm developed to predict the effect of missense changes on protein structure and function (PolyPhen-2) suggests that this variant is likely to be disruptive. In summary, the available evidence is currently insufficient to determine the role of this variant in disease. Therefore, it has been classified as a Variant of Uncertain Significance.

Ambry Genetics
Classification: Uncertain significance for Hereditary cancer-predisposing syndrome. Last evaluated: 2024-05-19. Review status: criteria provided, single submitter. Criteria: Ambry Variant Classification Scheme 2023. Collection method: clinical testing. Allele origin: germline.
Comment: The p.G102V variant (also known as c.305G>T), located in coding exon 2 of the SMARCA4 gene, results from a G to T substitution at nucleotide position 305. The glycine at codon 102 is replaced by valine, an amino acid with dissimilar properties. This amino acid position is not well conserved in available vertebrate species. In addition, the in silico prediction for this alteration is inconclusive. Missense and in-frame variants in SMARCA4 are known to cause neurodevelopmental disorders; however, such associations with rhabdoid tumor predisposition syndrome including small cell carcinoma of the ovary-hypercalcemic type (SCCOHT) are exceedingly rare (Kosho T et al. Am J Med Genet C Semin Med Genet. 2014 Sep;166C(3):262-75; Jelinic P et al. Nat Genet. 2014 May;46(5):424-6). Based on the supporting evidence, the association of this alteration with Coffin-Siris syndrome is unknown; however, the association of this alteration with rhabdoid tumor predisposition syndrome is unlikely.

Genetic Services Laboratory, University of Chicago
Classification: Uncertain significance. Last evaluated: 2021-10-08. Review status: criteria provided, single submitter. Criteria: ACMG Guidelines, 2015. Collection method: clinical testing. Allele origin: germline. Affected: no.
Comment: DNA sequence analysis of the SMARCA4 gene demonstrated a sequence change, c.305G>T, in exon 3 that results in an amino acid change, p.Gly102Val. This sequence change has been described in the gnomAD database with a frequency of 0.0054% in the East Asian subpopulation (dbSNP rs746602808). The p.Gly102Val change affects a poorly conserved amino acid residue located in a domain of the SMARCA4 protein that is not known to be functional. The p.Gly102Val substitution appears to be benign using several in-silico pathogenicity prediction tools (SIFT, PolyPhen2, Align GVGD, REVEL). This sequence change does not appear to have been previously described in individuals with SMARCA4-related disorders. Due to insufficient evidences and the lack of functional studies, the clinical significance of the p.Gly102Val change remains unknown at this time.

Genome-Nilou Lab
Classification: Uncertain significance for Intellectual disability, autosomal dominant 16. Last evaluated: 2021-07-15. Review status: criteria provided, single submitter. Criteria: ACMG Guidelines, 2015. Collection method: clinical testing. Allele origin: germline. Affected: no.

Mendelics
Classification: Uncertain significance for Rhabdoid tumor predisposition syndrome 2. Last evaluated: 2019-05-28. Review status: criteria provided, single submitter. Criteria: Mendelics Assertion Criteria 2017. Collection method: clinical testing. Allele origin: unknown.